The following is an entry in ClinVar:

ClinVar aggregate classification (germline): Uncertain significance. Review status: criteria provided, multiple submitters, no conflicts (2 of 4 stars). 2 submissions from 2 submitters: Uncertain significance (2). Last evaluated 2024-07-15.

Conditions:
Early-onset Lafora body disease. Also called: Epilepsy, progressive myoclonic, 10. Identifiers: Orphanet 324290, MedGen C4225258, MONDO:0014717, OMIM 616640.

Allele frequency attached by ClinVar (database versions not stated): ExAC 0.00001; gnomAD 0.00001; gnomAD exomes 0.00001 and 0.00004; TOPMed 0.00003.
gnomAD v4.1: 13 of 1,589,978 alleles (0.00082%); highest among the groups gnomAD compares: Admixed American, 0.015%; no homozygotes.

Submissions (2):

Labcorp Genetics (formerly Invitae), Labcorp
Classification: Uncertain significance for Early-onset Lafora body disease. Last evaluated: 2024-07-15. Review status: criteria provided, single submitter. Criteria: Invitae Variant Classification Sherloc (09022015). Collection method: clinical testing. Allele origin: germline.
Comment: This sequence change replaces glycine, which is neutral and non-polar, with serine, which is neutral and polar, at codon 290 of the PRDM8 protein (p.Gly290Ser). The frequency data for this variant in the population databases is considered unreliable, as metrics indicate poor data quality at this position in the gnomAD database. This variant has not been reported in the literature in individuals affected with PRDM8-related conditions. ClinVar contains an entry for this variant (Variation ID: 542338). An algorithm developed to predict the effect of missense changes on protein structure and function outputs the following: PolyPhen-2: "Benign". The serine amino acid residue is found in multiple mammalian species, which suggests that this missense change does not adversely affect protein function. In summary, the available evidence is currently insufficient to determine the role of this variant in disease. Therefore, it has been classified as a Variant of Uncertain Significance.

Ambry Genetics
Classification: Uncertain significance. Last evaluated: 2023-11-18. Review status: criteria provided, single submitter. Criteria: Ambry Variant Classification Scheme 2023. Collection method: clinical testing. Allele origin: germline.

NM_001099403.2(PRDM8):c.868G>A (p.Gly290Ser)

Gene: PRDM8 (PR/SET domain 8; plus strand). Cytogenetic location: 4q21.21.
Variant type: single nucleotide variant.
Coding change: c.868G>A on transcript NM_001099403.2 (MANE Select); coding-DNA position 868, G replaced by A.
Protein change: p.Gly290Ser; replaces glycine 290 with serine.
Molecular consequence: missense variant.
Genome position (GRCh38, 1-based): chr4:80,202,330, G>A. VCF-style: chr4-80202330-G-A. GRCh37 (hg19) VCF-style: chr4-81123484-G-A.
Other names: c.868G>A, p.Gly290Ser (NM_020226.4); short protein forms G290S.
Identifiers: ClinVar variation 542338 (VCV000542338.8), dbSNP rs756736858, ClinGen allele CA2982349.
Genomic context (GRCh38, chr4:80,202,330, plus strand): 5'-AACTCCCGGGGAGGCAGCAGCTGCTCCCCAGCCCAGAGCCTCAGCAGCGGTAGCGGCAGC[G>A]GCGGCGGCGGCGGCCACCAGGAGGCGGAGCTGAGTCCCGACGGCATCGCCACGGGCGGCG-3'
Protein context (NP_001092873.1, residues 280-300): AQSLSSGSGS[Gly290Ser]GGGGHQEAEL